The following is an entry in ClinVar:

NM_006946.4(SPTBN2):c.4444C>T (p.Arg1482Trp)

Gene: SPTBN2 (spectrin beta, non-erythrocytic 2; minus strand). Cytogenetic location: 11q13.2.
Variant type: single nucleotide variant.
Coding change: c.4444C>T on transcript NM_006946.4 (MANE Select); coding-DNA position 4444, C replaced by T.
Protein change: p.Arg1482Trp; replaces arginine 1482 with tryptophan.
Molecular consequence: missense variant.
Genome position (GRCh38, 1-based): chr11:66,694,198, G>A on the plus strand (C>T on the coding strand, the complement: SPTBN2 is on the minus strand). VCF-style: chr11-66694198-G-A. GRCh37 (hg19) VCF-style: chr11-66461669-G-A.
Other names: short protein forms R1482W.
Identifiers: ClinVar variation 996593 (VCV000996593.2), dbSNP rs373270554, ClinGen allele CA6128583.

ClinVar aggregate classification (germline): Likely pathogenic. Review status: criteria provided, single submitter (1 of 4 stars). 2 submissions from 2 submitters: Likely pathogenic (1). 1 of the submissions does not count toward it. Last evaluated 2025-01-22.

Conditions:
Intellectual disability. Also called: Intellectual functioning disability; intellectual disabilities; Intellectual developmental disorder. Identifiers: MedGen C3714756, MeSH D008607, MONDO:0001071, HP:0001249.
Autosomal recessive spinocerebellar ataxia 14. Also called: CEREBELLAR ATAXIA, AUTOSOMAL RECESSIVE, SPECTRIN-ASSOCIATED, 1. Identifiers: Orphanet 352403, MedGen C4706415, MONDO:0014159, OMIM 615386.

Allele frequency attached by ClinVar (database versions not stated): gnomAD 0.00004 and 0.00003; ESP Exome Variant Server 0.00008; gnomAD exomes 0.00011; ExAC 0.00012; TOPMed 0.00003.
gnomAD v4.1: 134 of 1,613,346 alleles (0.0083%); highest among the groups gnomAD compares: South Asian, 0.11%; 3 homozygotes.

Submissions (2):

First Genomix Gene Laboratory, Genetic Diagnostics Department
Classification: Likely pathogenic for Autosomal recessive spinocerebellar ataxia 14. Last evaluated: 2025-01-22. Review status: criteria provided, single submitter. Criteria: ACMG Guidelines, 2015. Collection method: clinical testing. Allele origin: germline. Inheritance: Autosomal recessive inheritance. Affected: no. Observed: 1 variant allele.

University of Washington Center for Mendelian Genomics, University of Washington
Classification: Likely pathogenic for Intellectual Disability. Review status: no assertion criteria provided. Collection method: research. Allele origin: inherited. Affected: yes. Not counted in ClinVar's aggregate classification.

Literature cited by the submitters: PubMed 30167849 (cited by University of Washington Center for Mendelian Genomics, University of Washington).